The following is an entry in ClinVar:

NM_000051.4(ATM):c.5509T>C (p.Phe1837Leu)

Gene: ATM (ATM serine/threonine kinase; plus strand). Cytogenetic location: 11q22.3.
Variant type: single nucleotide variant.
Coding change: c.5509T>C on transcript NM_000051.4 (MANE Select); coding-DNA position 5509, T replaced by C.
Protein change: p.Phe1837Leu; replaces phenylalanine 1837 with leucine.
Molecular consequence: missense variant.
Genome position (GRCh38, 1-based): chr11:108,304,687, T>C. VCF-style: chr11-108304687-T-C. GRCh37 (hg19) VCF-style: chr11-108175414-T-C.
Other names: c.5509T>C, p.Phe1837Leu (NM_001351834.2); short protein forms F1837L.
Identifiers: ClinVar variation 2759130 (VCV002759130.3), dbSNP rs876660472, ClinGen allele CA382545717.

ClinVar aggregate classification (germline): Uncertain significance (1 of 4 stars; one submission).

Conditions:
Ataxia-telangiectasia syndrome (AT). Also called: LOUIS-BAR SYNDROME; AT, COMPLEMENTATION GROUP C; ATAXIA-TELANGIECTASIA, COMPLEMENTATION GROUP A; ATAXIA-TELANGIECTASIA, FRESNO VARIANT; Ataxia-telangiectasia; Cerebello-oculocutaneous telangiectasia. Identifiers: Orphanet 100, MedGen C0004135, MONDO:0008840, OMIM 208900.

Submission:

Labcorp Genetics (formerly Invitae), Labcorp
Classification: Uncertain significance for Ataxia-telangiectasia syndrome. Last evaluated: 2023-09-08. Review status: criteria provided, single submitter. Criteria: Invitae Variant Classification Sherloc (09022015). Collection method: clinical testing. Allele origin: germline.
Comment: This variant is not present in population databases (gnomAD no frequency). This sequence change replaces phenylalanine, which is neutral and non-polar, with leucine, which is neutral and non-polar, at codon 1837 of the ATM protein (p.Phe1837Leu). This variant has not been reported in the literature in individuals affected with ATM-related conditions. In summary, the available evidence is currently insufficient to determine the role of this variant in disease. Therefore, it has been classified as a Variant of Uncertain Significance. An algorithm developed to predict the effect of missense changes on protein structure and function (PolyPhen-2) suggests that this variant is likely to be tolerated.